The following is an entry in ClinVar:

ClinVar aggregate classification (germline): Uncertain significance (1 of 4 stars; one submission).

Conditions:
Schuurs-Hoeijmakers syndrome. Also called: PACS1-Related Neurodevelopmental Disorder. Identifiers: Orphanet 329224, MedGen C3554343, MONDO:0014006, OMIM 615009.

Allele frequency attached by ClinVar (database versions not stated): gnomAD exomes below 0.00001; ExAC 0.00001.
gnomAD v4.1: 4 of 1,611,230 alleles (0.00025%); highest among the groups gnomAD compares: Admixed American, 0.0033%; no homozygotes.

Submission:

Labcorp Genetics (formerly Invitae), Labcorp
Classification: Uncertain significance for Schuurs-Hoeijmakers syndrome. Last evaluated: 2024-05-06. Review status: criteria provided, single submitter. Criteria: Invitae Variant Classification Sherloc (09022015). Collection method: clinical testing. Allele origin: germline.
Comment: This sequence change falls in intron 5 of the PACS1 gene. It does not directly change the encoded amino acid sequence of the PACS1 protein. It affects a nucleotide within the consensus splice site. This variant is present in population databases (rs750283770, gnomAD 0.01%). This variant has not been reported in the literature in individuals affected with PACS1-related conditions. ClinVar contains an entry for this variant (Variation ID: 2078012). Variants that disrupt the consensus splice site are a relatively common cause of aberrant splicing (PMID: 17576681, 9536098). Algorithms developed to predict the effect of sequence changes on RNA splicing suggest that this variant may disrupt the consensus splice site. In summary, the available evidence is currently insufficient to determine the role of this variant in disease. Therefore, it has been classified as a Variant of Uncertain Significance.

Literature cited by the submitters: PubMed 17576681; PubMed 9536098.

NM_018026.4(PACS1):c.806-3C>T

Gene: PACS1 (phosphofurin acidic cluster sorting protein 1; plus strand). Cytogenetic location: 11q13.2.
Variant type: single nucleotide variant.
Coding change: c.806-3C>T on transcript NM_018026.4 (MANE Select); 3 bases into the intron before coding-DNA position 806, C replaced by T.
Molecular consequence: intron variant.
Genome position (GRCh38, 1-based): chr11:66,216,517, C>T. VCF-style: chr11-66216517-C-T. GRCh37 (hg19) VCF-style: chr11-65983988-C-T.
Identifiers: ClinVar variation 2078012 (VCV002078012.4), dbSNP rs750283770, ClinGen allele CA6116360.